The following is an entry in ClinVar:

ClinVar aggregate classification (germline): Uncertain significance. Review status: criteria provided, multiple submitters, no conflicts (2 of 4 stars). 3 submissions from 3 submitters: Uncertain significance (2). 1 of the submissions does not count toward it. Last evaluated 2026-01-07.

Conditions:
PEX7-related disorder. Also called: PEX7-related condition; PEX7-related disorders. Identifiers: MedGen CN239409.
Rhizomelic chondrodysplasia punctata (RCDP). Identifiers: Orphanet 177, MedGen C0282529, MONDO:0015776. Disease mechanism: loss of function.
Peroxisome biogenesis disorder 9B. Also called: Refsum disease, adult, 2; PEX7-Related Refsum Disease; PEROXISOME BIOGENESIS DISORDER, PEX7-RELATED, ATYPICAL. Identifiers: Orphanet 773, MedGen C2749346, MONDO:0013945, OMIM 614879.

Allele frequency attached by ClinVar (database versions not stated): gnomAD 0.00001 and 0.00002; ExAC 0.00002; gnomAD exomes 0.00002.
gnomAD v4.1: 14 of 1,593,426 alleles (0.00088%); highest among the groups gnomAD compares: Admixed American, 0.012%; 1 homozygote.

Submissions (3):

PreventionGenetics, part of Exact Sciences
Classification: Uncertain significance for PEX7-related condition. Last evaluated: 2026-01-07. Review status: criteria provided, single submitter. Criteria: ACMG Guidelines, 2015. Collection method: clinical testing. Allele origin: germline.
Comment: The PEX7 c.413A>G variant is predicted to result in the amino acid substitution p.Lys138Arg. To our knowledge, this variant has not been reported in the literature. This variant is reported in 0.014% of alleles in individuals of Latino descent in gnomAD. At this time, the clinical significance of this variant is uncertain due to the absence of conclusive functional and genetic evidence.

Labcorp Genetics (formerly Invitae), Labcorp
Classification: Uncertain significance for Peroxisome biogenesis disorder 9B. Last evaluated: 2022-02-14. Review status: criteria provided, single submitter. Criteria: Invitae Variant Classification Sherloc (09022015). Collection method: clinical testing. Allele origin: germline.
Comment: This sequence change replaces lysine, which is basic and polar, with arginine, which is basic and polar, at codon 138 of the PEX7 protein (p.Lys138Arg). This variant is present in population databases (rs762113236, gnomAD 0.02%). This variant has not been reported in the literature in individuals affected with PEX7-related conditions. ClinVar contains an entry for this variant (Variation ID: 1025183). Algorithms developed to predict the effect of missense changes on protein structure and function output the following: SIFT: "Deleterious"; PolyPhen-2: "Benign"; Align-GVGD: "Class C25". The arginine amino acid residue is found in multiple mammalian species, which suggests that this missense change does not adversely affect protein function. Algorithms developed to predict the effect of sequence changes on RNA splicing suggest that this variant may create or strengthen a splice site. In summary, the available evidence is currently insufficient to determine the role of this variant in disease. Therefore, it has been classified as a Variant of Uncertain Significance.

Natera, Inc.
Classification: Uncertain significance for Rhizomelic Chondrodysplasia Punctata. Last evaluated: 2021-02-18. Review status: no assertion criteria provided. Collection method: clinical testing. Allele origin: germline. Not counted in ClinVar's aggregate classification.

NM_000288.4(PEX7):c.413A>G (p.Lys138Arg)

Gene: PEX7 (peroxisomal biogenesis factor 7; plus strand). Cytogenetic location: 6q23.3.
Variant type: single nucleotide variant.
Coding change: c.413A>G on transcript NM_000288.4 (MANE Select); coding-DNA position 413, A replaced by G.
Protein change: p.Lys138Arg; replaces lysine 138 with arginine.
Molecular consequence: missense variant.
Genome position (GRCh38, 1-based): chr6:136,845,688, A>G. VCF-style: chr6-136845688-A-G. GRCh37 (hg19) VCF-style: chr6-137166826-A-G.
Other names: c.413A>G (NM_000288.3); short protein forms K138R.
Identifiers: ClinVar variation 1025183 (VCV001025183.4), dbSNP rs762113236, ClinGen allele CA4017592.
Genomic context (GRCh38, chr6:136,845,688, plus strand): 5'-ATTGGAGCCAAACCAGAGGTGAACAGCTTGTGGTGTCTGGCTCATGGGATCAAACTGTCA[A>G]ATTGGTATGTTAGCATTATTGTATTCAAAAACGAATATTCCCTTCTCTAGAGCTTCCACT-3'
Protein context (NP_000279.1, residues 128-148): VVSGSWDQTV[Lys138Arg]LWDPTVGKSL